The following is an entry in ClinVar:

ClinVar aggregate classification (germline): Uncertain significance (1 of 4 stars; one submission).

Submission:

Labcorp Genetics (formerly Invitae), Labcorp
Classification: Uncertain significance. Last evaluated: 2025-05-05. Review status: criteria provided, single submitter. Criteria: Invitae Variant Classification Sherloc (09022015). Collection method: clinical testing. Allele origin: germline.
Comment: This sequence change falls in intron 12 of the COL2A1 gene. It does not directly change the encoded amino acid sequence of the COL2A1 protein. This variant is not present in population databases (gnomAD no frequency). This variant has been observed in individuals with clinical features of Stickler syndrome (PMID: 22189268; internal data). ClinVar contains an entry for this variant (Variation ID: 2137349). Studies have shown that this variant alters mRNA splicing and is expected to lead to the loss of protein expression (PMID: 22189268). In summary, the available evidence is currently insufficient to determine the role of this variant in disease. Therefore, it has been classified as a Variant of Uncertain Significance.

Literature cited by the submitters: PubMed 22189268.

NM_001844.5(COL2A1):c.817-9G>A

Gene: COL2A1 (collagen type II alpha 1 chain; minus strand). Cytogenetic location: 12q13.11.
Variant type: single nucleotide variant.
Coding change: c.817-9G>A on transcript NM_001844.5 (MANE Select); 9 bases into the intron before coding-DNA position 817, G replaced by A.
Molecular consequence: intron variant.
Genome position (GRCh38, 1-based): chr12:47,994,056, C>T on the plus strand (G>A on the coding strand, the complement: COL2A1 is on the minus strand). VCF-style: chr12-47994056-C-T. GRCh37 (hg19) VCF-style: chr12-48387839-C-T.
Other names: c.610-9G>A (NM_033150.3).
Identifiers: ClinVar variation 2137349 (VCV002137349.4), dbSNP rs2540169225, ClinGen allele CA2580085461.
Genomic context (GRCh38, chr12:47,994,056, plus strand): 5'-TGTGACCTTTGACACCAGGAAGGCCTGGGGTTCCTGGGAAACCACGAGCACCCTGCAATC[C>T]AAAGTGGAGGTGTTCAGAGCACAGAGTAAAATAACAGTGGAAAGCTGCCCTGGGCTGCAG-3'